The following is an entry in ClinVar:

NM_000455.5(STK11):c.7G>C (p.Val3Leu)

Gene: STK11 (serine/threonine kinase 11; plus strand). Cytogenetic location: 19p13.3.
Variant type: single nucleotide variant.
Coding change: c.7G>C on transcript NM_000455.5 (MANE Select); coding-DNA position 7, G replaced by C.
Protein change: p.Val3Leu; replaces valine 3 with leucine.
Molecular consequence: missense variant.
Genome position (GRCh38, 1-based): chr19:1,206,920, G>C. VCF-style: chr19-1206920-G-C. GRCh37 (hg19) VCF-style: chr19-1206919-G-C.
Other names: short protein forms V3L.
Identifiers: ClinVar variation 920914 (VCV000920914.13), dbSNP rs906049559, ClinGen allele CA304016681.
Genomic context (GRCh38, chr19:1,206,920, plus strand): 5'-CGCTCACCCGCGGACTCAGGGCTGGCGGCGGGACTCCAGGACCCTGGGTCCAGCATGGAG[G>C]TGGTGGACCCGCAGCAGCTGGGCATGTTCACGGAGGGCGAGCTGATGTCGGTGGGTATGG-3'
Protein context (NP_000446.1, residues 1-13): ME[Val3Leu]VDPQQLGMFT

ClinVar aggregate classification (germline): Uncertain significance. Review status: criteria provided, multiple submitters, no conflicts (2 of 4 stars). 3 submissions from 3 submitters: Uncertain significance (3). Last evaluated 2025-03-17.

Conditions:
Hereditary cancer-predisposing syndrome. Also called: Hereditary Cancer Syndrome; Hereditary neoplastic syndrome; Neoplastic Syndromes, Hereditary; Tumor predisposition. Identifiers: Orphanet 140162, MedGen C0027672, MeSH D009386, MONDO:0015356.
Peutz-Jeghers syndrome (PJS). Also called: POLYPOSIS, HAMARTOMATOUS INTESTINAL; POLYPS-AND-SPOTS SYNDROME; Peutz-Jeghers polyposis; Periorificial lentiginosis syndrome. Identifiers: Orphanet 2869, MedGen C0031269, MeSH D010580, MONDO:0008280, OMIM 175200.

Submissions (3):

Labcorp Genetics (formerly Invitae), Labcorp
Classification: Uncertain significance for Peutz-Jeghers syndrome. Last evaluated: 2025-03-17. Review status: criteria provided, single submitter. Criteria: Invitae Variant Classification Sherloc (09022015). Collection method: clinical testing. Allele origin: germline.
Comment: This sequence change replaces valine, which is neutral and non-polar, with leucine, which is neutral and non-polar, at codon 3 of the STK11 protein (p.Val3Leu). This variant is not present in population databases (gnomAD no frequency). This variant has not been reported in the literature in individuals affected with STK11-related conditions. ClinVar contains an entry for this variant (Variation ID: 920914). Invitae Evidence Modeling of protein sequence and biophysical properties (such as structural, functional, and spatial information, amino acid conservation, physicochemical variation, residue mobility, and thermodynamic stability) indicates that this missense variant is not expected to disrupt STK11 protein function with a negative predictive value of 95%. In summary, the available evidence is currently insufficient to determine the role of this variant in disease. Therefore, it has been classified as a Variant of Uncertain Significance.

Ambry Genetics
Classification: Uncertain significance for Hereditary cancer-predisposing syndrome. Last evaluated: 2023-06-29. Review status: criteria provided, single submitter. Criteria: Ambry Variant Classification Scheme 2023. Collection method: clinical testing. Allele origin: germline.
Comment: The p.V3L variant (also known as c.7G>C), located in coding exon 1 of the STK11 gene, results from a G to C substitution at nucleotide position 7. The valine at codon 3 is replaced by leucine, an amino acid with highly similar properties. This amino acid position is not well conserved in available vertebrate species. In addition, this alteration is predicted to be tolerated by in silico analysis. Since supporting evidence is limited at this time, the clinical significance of this alteration remains unclear.

Color Diagnostics, LLC DBA Color Health
Classification: Uncertain significance for Hereditary cancer-predisposing syndrome. Last evaluated: 2019-12-17. Review status: criteria provided, single submitter. Criteria: ACMG Guidelines, 2015. Collection method: clinical testing. Allele origin: germline.
Comment: This missense variant replaces valine with leucine at codon 3 of the STK11 protein. Computational prediction suggests that this variant may not impact protein structure and function (internally defined REVEL score threshold <= 0.5, PMID: 27666373). Splice site prediction tools suggest that this variant may not impact RNA splicing. To our knowledge, functional studies have not been performed for this variant. This variant has not been reported in individuals affected with hereditary cancer in the literature. This variant has not been identified in the general population by the Genome Aggregation Database (gnomAD). The available evidence is insufficient to determine the role of this variant in disease conclusively. Therefore, this variant is classified as a Variant of Uncertain Significance.